The following is an entry in ClinVar:

ClinVar aggregate classification (germline): Pathogenic/Likely pathogenic. Review status: criteria provided, multiple submitters, no conflicts (2 of 4 stars). 6 submissions from 6 submitters: Pathogenic (4); Likely pathogenic (1). 1 of the submissions does not count toward it. Last evaluated 2026-01-26.

Conditions:
Early-onset myopathy with fatal cardiomyopathy (CMYO5). Also called: Salih Myopathy; CONGENITAL MYOPATHY 5 WITH CARDIOMYOPATHY. Identifiers: Orphanet 289377, MedGen C2673677, MONDO:0012714, OMIM 611705. Disease mechanism: loss of function.
Autosomal recessive limb-girdle muscular dystrophy type 2J (LGMDR10). Also called: Limb-girdle muscular dystrophy, type 2J; MUSCULAR DYSTROPHY, LIMB-GIRDLE, AUTOSOMAL RECESSIVE 10. Identifiers: Orphanet 140922, MedGen C1837342, MONDO:0012127, OMIM 608807.

Allele frequency attached by ClinVar (database versions not stated): gnomAD exomes 0.00002 and 0.00001; gnomAD 0.00001.
gnomAD v4.1: 9 of 1,604,030 alleles (0.00056%); highest among the groups gnomAD compares: East Asian, 0.018%; no homozygotes.

Submissions (6):

Medical and Scientific Branch, Hong Kong Genome Institute
Classification: Pathogenic for Autosomal recessive limb-girdle muscular dystrophy type 2J. Last evaluated: 2026-01-26. Review status: criteria provided, single submitter. Criteria: ACMG Guidelines, 2015. Collection method: clinical testing. Allele origin: unknown. Affected: yes.

The Central Laboratory of Birth Defects Prevention and Control, The Affiliated Women and Children's Hospital of Ningbo University
Classification: Likely pathogenic for Early-onset myopathy with fatal cardiomyopathy. Last evaluated: 2025-11-28. Review status: criteria provided, single submitter. Criteria: ACMG Guidelines, 2015. Collection method: clinical testing. Allele origin: paternal. Affected: yes.
Comment: The TTN c.38876-2A>C is a splicing variation and located in the 199th intron (with a total of 363 exons) of NM_001267550.2 transcript. Loss of function is known mechanisms of TTN-related diseases (ClinGen HI value = 3). It is predicted that this variant will lead to incorrect splicing while preserving the reading frame. The c.38876-2A>C results in the loss of <10% of the protein sequence. This variant was detected in 3 fetuses in the local database, and another potentially pathogenic variant was also observed in trans position of TTN. Among them, one pair of siblings had similar phenotypes, mainly including fixed limb postures and abnormal limbs; This variant has been reported in ClinVar as pathogenic (Accession: VCV001695405.18). Therefore, this variant has been classified as Likely Pathogenic.

Revvity Omics, Revvity
Classification: Pathogenic. Last evaluated: 2025-05-23. Review status: criteria provided, single submitter. Criteria: ACMG Guidelines, 2015. Collection method: clinical testing. Allele origin: germline.

GeneDx
Classification: Pathogenic. Last evaluated: 2025-02-09. Review status: criteria provided, single submitter. Criteria: GeneDx Variant Classification Process June 2021. Collection method: clinical testing. Allele origin: germline. Affected: yes.
Comment: Observed in trans with another TTN variant in three unrelated families with presenting with fetal akinesia deformation sequence (PMID: 38937733); Also observed with a second TTN variant in the prenatal setting in fetuses with non specific features including lower limb abnormalities (PMID: 37880672, 37088564); Canonical splice site variant predicted to result in an in-frame loss of the adjacent exon in a gene for which loss of function is a known mechanism of disease; Located in a region of TTN in which the majority of pathogenic variants have been reported in association with autosomal recessive titinopathies (PMID: 28040389, 29575618, 31660661, 32778822); This variant is associated with the following publications: (PMID: 33226272, 32778822, 28040389, 29575618, 31660661, 37088564, 37880672, 38937733, 36697461)

Medical Genetics Center, Maternal and Child Health Hospital of Hubei Province
Classification: Pathogenic for Autosomal recessive limb-girdle muscular dystrophy type 2J. Last evaluated: 2021-05-08. Review status: criteria provided, single submitter. Criteria: ACMG Guidelines, 2015. Collection method: clinical testing. Allele origin: paternal.

Center of Excellence for Medical Genomics, Chulalongkorn University
Classification: Pathogenic for Autosomal recessive limb-girdle muscular dystrophy type 2J. Last evaluated: 2022-09-08. Review status: no assertion criteria provided. Criteria: ACMG Guidelines, 2015. Collection method: research. Allele origin: paternal. Affected: yes. Not counted in ClinVar's aggregate classification.

NM_001267550.2(TTN):c.38876-2A>C

Gene: TTN (titin; minus strand). Cytogenetic location: 2q31.2.
Variant type: single nucleotide variant.
Coding change: c.38876-2A>C on transcript NM_001267550.2 (MANE Select); the canonical splice acceptor site of the intron before coding-DNA position 38876, A replaced by C.
Molecular consequence: splice acceptor variant. On other transcripts: intron variant (5).
Genome position (GRCh38, 1-based): chr2:178,652,933, T>G on the plus strand (A>C on the coding strand, the complement: TTN is on the minus strand). VCF-style: chr2-178652933-T-G. GRCh37 (hg19) VCF-style: chr2-179517660-T-G.
Other names: c.34523-392A>C (NM_001256850.1); c.13283-10616A>C (NM_003319.4); c.13859-10616A>C (NM_133437.4); c.13658-10616A>C (NM_133432.3); c.31742-392A>C (NM_133378.4).
Identifiers: ClinVar variation 1695405 (VCV001695405.19), dbSNP rs1185989004, ClinGen allele CA349465884.
Genomic context (GRCh38, chr2:178,652,933, plus strand): 5'-TTTAGGAGGAGCCAAGGGCATTTTCTTTTCAGGAACAACCTCTATGGGAGCCTCTGGCAC[T>G]TAAAAGATATTAGTGAAATTACATTTAGAAGTTTGAAGACCACTAGAAAAGTATTTTCAA-3'